The following is an entry in ClinVar:

ClinVar aggregate classification (germline): Uncertain significance (1 of 4 stars; one submission).

Conditions:
Multiple congenital exostosis (EXT). Also called: Hereditary multiple osteochondromas; Multiple osteochondromas; MULTIPLE CARTILAGINOUS EXOSTOSES; Multiple exostoses; Hereditary multiple exostoses; Hereditary multiple exostosis. Identifiers: Orphanet 321, MedGen C0015306, MONDO:0005508, HP:0002762.

Allele frequency attached by ClinVar (database versions not stated): gnomAD exomes below 0.00001.
gnomAD v4.1: 1 of 1,613,642 alleles (0.000062%); highest among the groups gnomAD compares: African/African-American, 0.0013%; no homozygotes.

Submission:

Labcorp Genetics (formerly Invitae), Labcorp
Classification: Uncertain significance for Multiple congenital exostosis. Last evaluated: 2023-11-19. Review status: criteria provided, single submitter. Criteria: Invitae Variant Classification Sherloc (09022015). Collection method: clinical testing. Allele origin: germline.
Comment: This sequence change replaces asparagine, which is neutral and polar, with threonine, which is neutral and polar, at codon 89 of the EXT1 protein (p.Asn89Thr). This variant is not present in population databases (gnomAD no frequency). This variant has not been reported in the literature in individuals affected with EXT1-related conditions. Advanced modeling of protein sequence and biophysical properties (such as structural, functional, and spatial information, amino acid conservation, physicochemical variation, residue mobility, and thermodynamic stability) has been performed at Invitae for this missense variant, however the output from this modeling did not meet the statistical confidence thresholds required to predict the impact of this variant on EXT1 protein function. In summary, the available evidence is currently insufficient to determine the role of this variant in disease. Therefore, it has been classified as a Variant of Uncertain Significance.

NM_000127.3(EXT1):c.266A>C (p.Asn89Thr)

Gene: EXT1 (exostosin glycosyltransferase 1; minus strand). Cytogenetic location: 8q24.11.
Variant type: single nucleotide variant.
Coding change: c.266A>C on transcript NM_000127.3 (MANE Select); coding-DNA position 266, A replaced by C.
Protein change: p.Asn89Thr; replaces asparagine 89 with threonine.
Molecular consequence: missense variant.
Genome position (GRCh38, 1-based): chr8:118,110,781, T>G on the plus strand (A>C on the coding strand, the complement: EXT1 is on the minus strand). VCF-style: chr8-118110781-T-G. GRCh37 (hg19) VCF-style: chr8-119123020-T-G.
Other names: short protein forms N89T.
Identifiers: ClinVar variation 2803297 (VCV002803297.3), dbSNP rs2488052828, ClinGen allele CA371916245.